The following is an entry in ClinVar:

ClinVar aggregate classification (germline): Uncertain significance (1 of 4 stars; one submission).

Conditions:
Duchenne muscular dystrophy (DMD). Also called: Duchenne Muscular Dystrophy (DMD); MUSCULAR DYSTROPHY, PSEUDOHYPERTROPHIC PROGRESSIVE, DUCHENNE TYPE. Identifiers: Orphanet 98896, MedGen C0013264, MONDO:0010679, OMIM 310200.

Submission:

Labcorp Genetics (formerly Invitae), Labcorp
Classification: Uncertain significance for Duchenne muscular dystrophy. Last evaluated: 2019-01-25. Review status: criteria provided, single submitter. Criteria: Invitae Variant Classification Sherloc (09022015). Collection method: clinical testing. Allele origin: germline.
Comment: In summary, the available evidence is currently insufficient to determine the role of this variant in disease. Therefore, it has been classified as a Variant of Uncertain Significance. Algorithms developed to predict the effect of missense changes on protein structure and function (SIFT, PolyPhen-2, Align-GVGD) all suggest that this variant is likely to be tolerated, but these predictions have not been confirmed by published functional studies and their clinical significance is uncertain. This variant has not been reported in the literature in individuals with DMD-related conditions. This variant is not present in population databases (ExAC no frequency). This sequence change replaces cysteine with serine at codon 3178 of the DMD protein (p.Cys3178Ser). The cysteine residue is highly conserved and there is a moderate physicochemical difference between cysteine and serine.

NM_004006.3(DMD):c.9533G>C (p.Cys3178Ser)

Gene: DMD (dystrophin; minus strand). Cytogenetic location: Xp21.2.
Variant type: single nucleotide variant.
Coding change: c.9533G>C on transcript NM_004006.3 (MANE Select); coding-DNA position 9533, G replaced by C.
Protein change: p.Cys3178Ser; replaces cysteine 3178 with serine.
Molecular consequence: missense variant.
Genome position (GRCh38, 1-based): chrX:31,209,528, C>G on the plus strand (G>C on the coding strand, the complement: DMD is on the minus strand). VCF-style: chrX-31209528-C-G. GRCh37 (hg19) VCF-style: chrX-31227645-C-G.
Other names: c.9509G>C, p.Cys3170Ser (NM_000109.4); c.9521G>C, p.Cys3174Ser (NM_004009.3); c.9164G>C, p.Cys3055Ser (NM_004010.3); c.5510G>C, p.Cys1837Ser (NM_004011.4); c.5501G>C, p.Cys1834Ser (NM_004012.4); c.2153G>C, p.Cys718Ser (NM_004013.3, NM_004020.4, NM_004021.3 and 2 more transcripts); c.1346G>C, p.Cys449Ser (NM_004014.3); c.329G>C, p.Cys110Ser (NM_004015.3, NM_004016.3, NM_004017.3 and 2 more transcripts); short protein forms C3055S, C3170S, C3174S, C449S, C3178S, C110S, C1834S, C1837S.
Identifiers: ClinVar variation 856415 (VCV000856415.10), dbSNP rs2044432429, ClinGen allele CA412649785.